The following is an entry in ClinVar:

NM_206933.4(USH2A):c.15076A>G (p.Lys5026Glu)

Gene: USH2A (usherin; minus strand). Cytogenetic location: 1q41.
Variant type: single nucleotide variant.
Coding change: c.15076A>G on transcript NM_206933.4 (MANE Select); coding-DNA position 15076, A replaced by G.
Protein change: p.Lys5026Glu; replaces lysine 5026 with glutamic acid.
Molecular consequence: missense variant.
Genome position (GRCh38, 1-based): chr1:215,634,680, T>C on the plus strand (A>G on the coding strand, the complement: USH2A is on the minus strand). VCF-style: chr1-215634680-T-C. GRCh37 (hg19) VCF-style: chr1-215808022-T-C.
Other names: p.K5026E:AAA>GAA; short protein forms K5026E.
Identifiers: ClinVar variation 48453 (VCV000048453.33), dbSNP rs41308435, ClinGen allele CA143380.

ClinVar aggregate classification (germline): Benign/Likely benign. Review status: criteria provided, multiple submitters, no conflicts (2 of 4 stars). 13 submissions from 12 submitters: Benign (6); Likely benign (4). 3 of the submissions do not count toward it. Last evaluated 2026-02-04.

Conditions:
Retinal dystrophy. Also called: Inherited retinal dystrophy. Identifiers: Orphanet 71862, MedGen C0854723, MeSH D058499, MONDO:0019118, HP:0000556.
Retinitis pigmentosa 39 (RP39). Identifiers: Orphanet 791, MedGen C3151138, MONDO:0013436, OMIM 613809.
Usher syndrome type 2A. Also called: RETINAL DISEASE IN USHER SYNDROME TYPE IIA, MODIFIER OF; USHER SYNDROME, TYPE IIA. Identifiers: Orphanet 231178, Orphanet 886, MedGen C1848634, MONDO:0010169, OMIM 276901.

Allele frequency attached by ClinVar (database versions not stated): gnomAD 0.00614 and 0.00346; gnomAD exomes 0.01248 and 0.00916; 1000 Genomes Project 30x 0.02342; ESP Exome Variant Server 0.00185; TOPMed 0.00437; 1000 Genomes Project 0.02436; ExAC 0.01340.
gnomAD v4.1: 14,312 of 1,614,214 alleles (0.89%); highest among the groups gnomAD compares: South Asian, 6.8%; 367 homozygotes.

Submissions (13):

Labcorp Genetics (formerly Invitae), Labcorp
Classification: Benign. Last evaluated: 2026-02-04. Review status: criteria provided, single submitter. Criteria: Invitae Variant Classification Sherloc (09022015). Collection method: clinical testing. Allele origin: germline.

Genome-Nilou Lab
Classification: Likely benign for Retinitis pigmentosa 39. Last evaluated: 2023-11-04. Review status: criteria provided, single submitter. Criteria: ACMG Guidelines, 2015. Collection method: clinical testing. Allele origin: germline. Affected: no.

Genome-Nilou Lab
Classification: Likely benign for Usher syndrome type 2A. Last evaluated: 2023-11-04. Review status: criteria provided, single submitter. Criteria: ACMG Guidelines, 2015. Collection method: clinical testing. Allele origin: germline. Affected: no.

Dept Of Ophthalmology, Nagoya University
Classification: Benign for Retinal dystrophy. Last evaluated: 2023-10-01. Review status: criteria provided, single submitter. Criteria: Submitter's publication. Collection method: research. Allele origin: germline. Affected: yes.

Women's Health and Genetics/Laboratory Corporation of America, LabCorp
Classification: Likely benign. Last evaluated: 2022-02-18. Review status: criteria provided, single submitter. Criteria: LabCorp Variant Classification Summary - May 2015. Collection method: clinical testing. Allele origin: germline.

ARUP Laboratories, Molecular Genetics and Genomics, ARUP Laboratories
Classification: Benign. Last evaluated: 2020-01-16. Review status: criteria provided, single submitter. Criteria: ARUP Molecular Germline Variant Investigation Process. Collection method: clinical testing. Allele origin: germline.

Eurofins Ntd Llc (ga)
Classification: Benign. Last evaluated: 2014-05-21. Review status: criteria provided, single submitter. Criteria: EGL Classification Definitions 2015. Collection method: clinical testing. Allele origin: germline. Observed: 1 variant allele, 1 heterozygote.

GeneDx
Classification: Benign. Last evaluated: 2011-07-05. Review status: criteria provided, single submitter. Criteria: GeneDx Variant Classification (06012015). Collection method: clinical testing. Allele origin: germline. Affected: yes.
Comment: This variant is considered likely benign or benign based on one or more of the following criteria: it is a conservative change, it occurs at a poorly conserved position in the protein, it is predicted to be benign by multiple in silico algorithms, and/or has population frequency not consistent with disease.

Laboratory for Molecular Medicine, Mass General Brigham Personalized Medicine
Classification: Benign. Last evaluated: 2010-05-19. Review status: criteria provided, single submitter. Criteria: LMM Criteria. Collection method: clinical testing. Allele origin: germline. Observed: 34 variant alleles.

Breakthrough Genomics
Classification: Likely benign. Review status: criteria provided, single submitter. Criteria: ACMG Guidelines, 2015. Collection method: not provided. Allele origin: germline. Inheritance: Autosomal recessive inheritance. Affected: yes.

Natera, Inc.
Classification: Benign for Usher syndrome type 2A. Last evaluated: 2020-09-16. Review status: no assertion criteria provided. Collection method: clinical testing. Allele origin: germline. Not counted in ClinVar's aggregate classification.

Clinical Genetics DNA and cytogenetics Diagnostics Lab, Erasmus MC, Erasmus Medical Center
Classification: Benign. Review status: no assertion criteria provided. Collection method: clinical testing. Allele origin: germline. Affected: yes. Study: VKGL Data-share Consensus. Not counted in ClinVar's aggregate classification.

Joint Genome Diagnostic Labs from Nijmegen and Maastricht, Radboudumc and MUMC+
Classification: Benign. Review status: no assertion criteria provided. Collection method: clinical testing. Allele origin: germline. Affected: yes. Study: VKGL Data-share Consensus. Not counted in ClinVar's aggregate classification.

Literature cited by the submitters: PubMed 19737284 (cited by Laboratory for Molecular Medicine, Mass General Brigham Personalized Medicine).